The following is an entry in ClinVar:

ClinVar aggregate classification (germline): Conflicting classifications of pathogenicity. Review status: criteria provided, conflicting classifications (1 of 4 stars). 2 submissions from 2 submitters: Uncertain significance (1); Likely benign (1). Last evaluated 2025-06-22.

Conditions:
Familial thoracic aortic aneurysm and aortic dissection (TAAD). Also called: Thoracic aortic aneurysms and dissections. Identifiers: Orphanet 91387, MedGen C4707243, MONDO:0019625.
Aortic aneurysm, familial thoracic 7 (AAT7). Also called: AORTIC DISSECTION, FAMILIAL, WITH OR WITHOUT AORTIC ANEURYSM. Identifiers: MedGen C3151077, MONDO:0013418, OMIM 613780.

Allele frequency attached by ClinVar (database versions not stated): TOPMed below 0.00001; gnomAD exomes 0.00001; ExAC 0.00002.
gnomAD v4.1: 13 of 1,613,628 alleles (0.00081%); highest among the groups gnomAD compares: Non-Finnish European, 0.0011%; no homozygotes.

Submissions (2):

Ambry Genetics
Classification: Likely benign for Familial thoracic aortic aneurysm and aortic dissection. Last evaluated: 2025-06-22. Review status: criteria provided, single submitter. Criteria: Ambry Variant Classification Scheme 2023. Collection method: clinical testing. Allele origin: germline.

Labcorp Genetics (formerly Invitae), Labcorp
Classification: Uncertain significance for Aortic aneurysm, familial thoracic 7. Last evaluated: 2023-12-19. Review status: criteria provided, single submitter. Criteria: Invitae Variant Classification Sherloc (09022015). Collection method: clinical testing. Allele origin: germline.
Comment: This sequence change replaces glutamic acid, which is acidic and polar, with lysine, which is basic and polar, at codon 505 of the MYLK protein (p.Glu505Lys). This variant is present in population databases (rs780888701, gnomAD 0.003%). This variant has not been reported in the literature in individuals affected with MYLK-related conditions. ClinVar contains an entry for this variant (Variation ID: 471703). Advanced modeling of protein sequence and biophysical properties (such as structural, functional, and spatial information, amino acid conservation, physicochemical variation, residue mobility, and thermodynamic stability) performed at Invitae indicates that this missense variant is not expected to disrupt MYLK protein function with a negative predictive value of 95%. In summary, the available evidence is currently insufficient to determine the role of this variant in disease. Therefore, it has been classified as a Variant of Uncertain Significance.

NM_053025.4(MYLK):c.1513G>A (p.Glu505Lys)

Gene: MYLK (myosin light chain kinase; minus strand). Cytogenetic location: 3q21.1.
Variant type: single nucleotide variant.
Coding change: c.1513G>A on transcript NM_053025.4 (MANE Select); coding-DNA position 1513, G replaced by A.
Protein change: p.Glu505Lys; replaces glutamic acid 505 with lysine.
Molecular consequence: missense variant. On other transcripts: intron variant (2).
Genome position (GRCh38, 1-based): chr3:123,732,899, C>T on the plus strand (G>A on the coding strand, the complement: MYLK is on the minus strand). VCF-style: chr3-123732899-C-T. GRCh37 (hg19) VCF-style: chr3-123451746-C-T.
Other names: c.985G>A, p.Glu329Lys (NM_001321309.2); c.1513G>A, p.Glu505Lys (NM_053027.4); c.1309+788G>A (NM_053028.4, NM_053026.4); short protein forms E505K, E329K.
Identifiers: ClinVar variation 471703 (VCV000471703.9), dbSNP rs780888701, ClinGen allele CA067132.